The following is an entry in ClinVar:

NM_001378454.1(ALMS1):c.9469C>T (p.Gln3157Ter)

Gene: ALMS1 (ALMS1 centrosome and basal body associated protein; plus strand). Cytogenetic location: 2p13.1.
Variant type: single nucleotide variant.
Coding change: c.9469C>T on transcript NM_001378454.1 (MANE Select); coding-DNA position 9469, C replaced by T.
Protein change: p.Gln3157Ter; replaces glutamine 3157 with a stop codon.
Molecular consequence: nonsense.
Genome position (GRCh38, 1-based): chr2:73,491,428, C>T. VCF-style: chr2-73491428-C-T. GRCh37 (hg19) VCF-style: chr2-73718555-C-T.
Other names: c.9472C>T, p.Gln3158Ter (NM_015120.4); short protein forms Q3157*, Q3158*.
Identifiers: ClinVar variation 3615197 (VCV003615197.2).

ClinVar aggregate classification (germline): Pathogenic (1 of 4 stars; one submission).

Conditions:
Alstrom syndrome (ALMS). Identifiers: Orphanet 64, MedGen C0268425, MONDO:0008763, OMIM 203800.

Submission:

Labcorp Genetics (formerly Invitae), Labcorp
Classification: Pathogenic for Alstrom syndrome. Last evaluated: 2025-03-17. Review status: criteria provided, single submitter. Criteria: Invitae Variant Classification Sherloc (09022015). Collection method: clinical testing. Allele origin: germline.
Comment: This sequence change creates a premature translational stop signal (p.Gln3158*) in the ALMS1 gene. It is expected to result in an absent or disrupted protein product. Loss-of-function variants in ALMS1 are known to be pathogenic (PMID: 17594715). This variant is not present in population databases (gnomAD no frequency). This variant has not been reported in the literature in individuals affected with ALMS1-related conditions. Algorithms developed to predict the effect of sequence changes on RNA splicing suggest that this variant may disrupt the consensus splice site. For these reasons, this variant has been classified as Pathogenic.

Literature cited by the submitters: PubMed 17594715.